The following is an entry in ClinVar:

NM_206933.4(USH2A):c.12790G>A (p.Glu4264Lys)

Gene: USH2A (usherin; minus strand). Cytogenetic location: 1q41.
Variant type: single nucleotide variant.
Coding change: c.12790G>A on transcript NM_206933.4 (MANE Select); coding-DNA position 12790, G replaced by A.
Protein change: p.Glu4264Lys; replaces glutamic acid 4264 with lysine.
Molecular consequence: missense variant.
Genome position (GRCh38, 1-based): chr1:215,675,121, C>T on the plus strand (G>A on the coding strand, the complement: USH2A is on the minus strand). VCF-style: chr1-215675121-C-T. GRCh37 (hg19) VCF-style: chr1-215848463-C-T.
Other names: short protein forms E4264K.
Identifiers: ClinVar variation 550300 (VCV000550300.22), dbSNP rs200792578, ClinGen allele CA1393409.

ClinVar aggregate classification (germline): Benign/Likely benign. Review status: criteria provided, multiple submitters, no conflicts (2 of 4 stars). 7 submissions from 7 submitters: Benign (1); Likely benign (3). 3 of the submissions do not count toward it. Last evaluated 2026-01-24.

Conditions:
USH2A-related disorder. Also called: USH2A-related disorders; USH2A-related condition. Identifiers: MedGen CN239332.
Retinal dystrophy. Also called: Inherited retinal dystrophy. Identifiers: Orphanet 71862, MedGen C0854723, MeSH D058499, MONDO:0019118, HP:0000556.
Usher syndrome type 2A. Also called: RETINAL DISEASE IN USHER SYNDROME TYPE IIA, MODIFIER OF; USHER SYNDROME, TYPE IIA. Identifiers: Orphanet 231178, Orphanet 886, MedGen C1848634, MONDO:0010169, OMIM 276901.
Retinitis pigmentosa 39 (RP39). Identifiers: Orphanet 791, MedGen C3151138, MONDO:0013436, OMIM 613809.

Allele frequency attached by ClinVar (database versions not stated): gnomAD exomes 0.00006 and 0.00039; gnomAD 0.00014 and 0.00017; TOPMed 0.00022; ExAC 0.00033; 1000 Genomes Project 30x 0.00078; 1000 Genomes Project 0.00080.
gnomAD v4.1: 124 of 1,614,064 alleles (0.0077%); highest among the groups gnomAD compares: East Asian, 0.25%; 1 homozygote.

Submissions (7):

Labcorp Genetics (formerly Invitae), Labcorp
Classification: Likely benign. Last evaluated: 2026-01-24. Review status: criteria provided, single submitter. Criteria: Invitae Variant Classification Sherloc (09022015). Collection method: clinical testing. Allele origin: germline.

Blueprint Genetics
Classification: Benign. Last evaluated: 2024-10-22. Review status: criteria provided, single submitter. Criteria: ACMG Guidelines, 2015. Collection method: clinical testing. Allele origin: germline.

Dept Of Ophthalmology, Nagoya University
Classification: Likely benign for Retinal dystrophy. Last evaluated: 2023-10-01. Review status: criteria provided, single submitter. Criteria: Submitter's publication. Collection method: research. Allele origin: germline. Affected: yes.

GeneDx
Classification: Likely benign. Last evaluated: 2020-11-30. Review status: criteria provided, single submitter. Criteria: GeneDx Variant Classification Process June 2021. Collection method: clinical testing. Allele origin: germline. Affected: yes.
Comment: This variant is associated with the following publications: (PMID: 31054281, 30703234, 24938718)

PreventionGenetics, part of Exact Sciences
Classification: Likely benign for USH2A-related condition. Last evaluated: 2022-12-23. Review status: no assertion criteria provided. Collection method: clinical testing. Allele origin: germline. Not counted in ClinVar's aggregate classification.
Comment: This variant is classified as likely benign based on ACMG/AMP sequence variant interpretation guidelines (Richards et al. 2015 PMID: 25741868, with internal and published modifications).

Natera, Inc.
Classification: Likely benign for Usher syndrome type 2A. Last evaluated: 2020-08-10. Review status: no assertion criteria provided. Collection method: clinical testing. Allele origin: germline. Not counted in ClinVar's aggregate classification.

Counsyl
Classification: Uncertain significance for Usher syndrome type 2A; Retinitis pigmentosa 39. Last evaluated: 2017-01-19. Review status: no assertion criteria provided. Collection method: clinical testing. Allele origin: unknown. Not counted in ClinVar's aggregate classification.

Literature cited by the submitters: PubMed 24938718 (cited by Counsyl).